The following is an entry in ClinVar:

ClinVar aggregate classification (germline): Uncertain significance (1 of 4 stars; one submission).

Submission:

Ambry Genetics
Classification: Uncertain significance. Last evaluated: 2021-09-05. Review status: criteria provided, single submitter. Criteria: Ambry Variant Classification Scheme 2023. Collection method: clinical testing. Allele origin: germline.
Comment: The p.M264I variant (also known as c.792G>C), located in coding exon 6 of the POLQ gene, results from a G to C substitution at nucleotide position 792. The methionine at codon 264 is replaced by isoleucine, an amino acid with highly similar properties. This amino acid position is conserved. In addition, the in silico prediction for this alteration is inconclusive. Since supporting evidence is limited at this time, the clinical significance of this alteration remains unclear.

NM_199420.4(POLQ):c.792G>C (p.Met264Ile)

Gene: POLQ (DNA polymerase theta; minus strand). Cytogenetic location: 3q13.33.
Variant type: single nucleotide variant.
Coding change: c.792G>C on transcript NM_199420.4 (MANE Select); coding-DNA position 792, G replaced by C.
Protein change: p.Met264Ile; replaces methionine 264 with isoleucine.
Molecular consequence: missense variant.
Genome position (GRCh38, 1-based): chr3:121,533,158, C>G on the plus strand (G>C on the coding strand, the complement: POLQ is on the minus strand). VCF-style: chr3-121533158-C-G. GRCh37 (hg19) VCF-style: chr3-121252005-C-G.
Other names: short protein forms M264I.
Identifiers: ClinVar variation 1761282 (VCV001761282.2), dbSNP rs2048424459, ClinGen allele CA354126647.